The following is an entry in ClinVar:

NM_000540.3(RYR1):c.1874T>C (p.Leu625Pro)

Gene: RYR1 (ryanodine receptor 1; plus strand). Cytogenetic location: 19q13.2.
Variant type: single nucleotide variant.
Coding change: c.1874T>C on transcript NM_000540.3 (MANE Select); coding-DNA position 1874, T replaced by C.
Protein change: p.Leu625Pro; replaces leucine 625 with proline.
Molecular consequence: missense variant.
Genome position (GRCh38, 1-based): chr19:38,457,579, T>C. VCF-style: chr19-38457579-T-C. GRCh37 (hg19) VCF-style: chr19-38948219-T-C.
Other names: c.1874T>C, p.Leu625Pro (NM_001042723.2); short protein forms L625P.
Identifiers: ClinVar variation 448181 (VCV000448181.3), dbSNP rs1555769513, ClinGen allele CA405694063.

ClinVar aggregate classification (germline): Uncertain significance. Review status: criteria provided, multiple submitters, no conflicts (2 of 4 stars). 2 submissions from 2 submitters: Uncertain significance (2). Last evaluated 2021-04-14.

Submissions (2):

GeneDx
Classification: Uncertain significance. Last evaluated: 2021-04-14. Review status: criteria provided, single submitter. Criteria: GeneDx Variant Classification Process June 2021. Collection method: clinical testing. Allele origin: germline. Affected: yes.
Comment: Not observed in large population cohorts (Lek et al., 2016); In silico analysis supports that this missense variant has a deleterious effect on protein structure/function; Has not been previously published as pathogenic or benign to our knowledge

Athena Diagnostics
Classification: Uncertain significance. Last evaluated: 2017-05-31. Review status: criteria provided, single submitter. Criteria: Athena Diagnostics Criteria. Collection method: clinical testing. Allele origin: germline.